The following is an entry in ClinVar:

ClinVar aggregate classification (germline): Uncertain significance. Review status: criteria provided, multiple submitters, no conflicts (2 of 4 stars). 3 submissions from 3 submitters: Uncertain significance (3). Last evaluated 2024-05-30.

Conditions:
Fanconi anemia complementation group J. Also called: BRIP1-Related Fanconi Anemia. Identifiers: Orphanet 84, MedGen C1836860, MONDO:0012187, OMIM 609054.
Familial cancer of breast. Also called: BREAST CANCER, FAMILIAL; hereditary breast carcinoma; Hereditary breast cancer. Identifiers: Orphanet 227535, MedGen C0346153, MONDO:0016419, OMIM 114480. Disease mechanism: loss of function.
Hereditary cancer-predisposing syndrome. Also called: Hereditary neoplastic syndrome; Neoplastic Syndromes, Hereditary; Hereditary Cancer Syndrome; Tumor predisposition. Identifiers: Orphanet 140162, MedGen C0027672, MeSH D009386, MONDO:0015356.

Allele frequency attached by ClinVar (database versions not stated): gnomAD exomes below 0.00001 and 0.00001; ExAC 0.00001.

Submissions (3):

Ambry Genetics
Classification: Uncertain significance for Hereditary cancer-predisposing syndrome. Last evaluated: 2024-05-30. Review status: criteria provided, single submitter. Criteria: Ambry Variant Classification Scheme 2023. Collection method: clinical testing. Allele origin: germline.
Comment: The p.M1244I variant (also known as c.3732G>A), located in coding exon 19 of the BRIP1 gene, results from a G to A substitution at nucleotide position 3732. The methionine at codon 1244 is replaced by isoleucine, an amino acid with highly similar properties. This amino acid position is poorly conserved in available vertebrate species. In addition, this alteration is predicted to be tolerated by in silico analysis. Since supporting evidence is limited at this time, the clinical significance of this alteration remains unclear.

Color Diagnostics, LLC DBA Color Health
Classification: Uncertain significance for Hereditary cancer-predisposing syndrome. Last evaluated: 2023-12-05. Review status: criteria provided, single submitter. Criteria: ACMG Guidelines, 2015. Collection method: clinical testing. Allele origin: germline.
Comment: This missense variant replaces methionine with isoleucine at codon 1244 of the BRIP1 protein. Computational prediction suggests that this variant may not impact protein structure and function (internally defined REVEL score threshold <= 0.5, PMID: 27666373). To our knowledge, functional studies have not been reported for this variant. This variant has not been reported in individuals affected with BRIP1-related disorders in the literature. This variant has been identified in 1/250414 chromosomes in the general population by the Genome Aggregation Database (gnomAD). The available evidence is insufficient to determine the role of this variant in disease conclusively. Therefore, this variant is classified as a Variant of Uncertain Significance.

Labcorp Genetics (formerly Invitae), Labcorp
Classification: Uncertain significance for Familial cancer of breast; Fanconi anemia complementation group J. Last evaluated: 2022-07-11. Review status: criteria provided, single submitter. Criteria: Invitae Variant Classification Sherloc (09022015). Collection method: clinical testing. Allele origin: germline.
Comment: Algorithms developed to predict the effect of sequence changes on RNA splicing suggest that this variant may disrupt the consensus splice site. In summary, the available evidence is currently insufficient to determine the role of this variant in disease. Therefore, it has been classified as a Variant of Uncertain Significance. Algorithms developed to predict the effect of missense changes on protein structure and function (SIFT, PolyPhen-2, Align-GVGD) all suggest that this variant is likely to be tolerated. This sequence change replaces methionine, which is neutral and non-polar, with isoleucine, which is neutral and non-polar, at codon 1244 of the BRIP1 protein (p.Met1244Ile). This variant is present in population databases (rs753516000, gnomAD 0.0009%). This variant has not been reported in the literature in individuals affected with BRIP1-related conditions. ClinVar contains an entry for this variant (Variation ID: 569454).

NM_032043.3(BRIP1):c.3732G>A (p.Met1244Ile)

Gene: BRIP1 (BRCA1 interacting DNA helicase 1; minus strand). Cytogenetic location: 17q23.2.
Variant type: single nucleotide variant.
Coding change: c.3732G>A on transcript NM_032043.3 (MANE Select); coding-DNA position 3732, G replaced by A.
Protein change: p.Met1244Ile; replaces methionine 1244 with isoleucine.
Molecular consequence: missense variant.
Genome position (GRCh38, 1-based): chr17:61,683,314, C>T on the plus strand (G>A on the coding strand, the complement: BRIP1 is on the minus strand). VCF-style: chr17-61683314-C-T. GRCh37 (hg19) VCF-style: chr17-59760675-C-T.
Other names: short protein forms M1244I.
Identifiers: ClinVar variation 569454 (VCV000569454.18), dbSNP rs753516000, ClinGen allele CA8690333.
Genomic context (GRCh38, chr17:61,683,314, plus strand): 5'-GCATGATGACATATTTTTACTTAGCTTGAGAGTTAAGTATTATTACTTAAAACCAGGAAA[C>T]ATGCCTTTATTTTTGGAAGGAGATGGTTTAAAGTTCTTTATTTCTATTTCATGAGTTTTT-3'
Protein context (NP_114432.2, residues 1234-1249): FKPSPSKNKG[Met1244Ile]FPGFK